The following is an entry in ClinVar:

NM_017763.6(RNF43):c.1425C>T (p.Ser475=)

Gene: RNF43 (ring finger protein 43; minus strand). Cytogenetic location: 17q22.
Variant type: single nucleotide variant.
Coding change: c.1425C>T on transcript NM_017763.6 (MANE Select); coding-DNA position 1425, C replaced by T.
Protein change: p.Ser475=; no amino-acid change (serine 475 retained).
Molecular consequence: synonymous variant.
Genome position (GRCh38, 1-based): chr17:58,358,351, G>A on the plus strand (C>T on the coding strand, the complement: RNF43 is on the minus strand). VCF-style: chr17-58358351-G-A. GRCh37 (hg19) VCF-style: chr17-56435712-G-A.
Other names: c.1425C>T, p.Ser475= (NM_001438821.1, NM_001438822.1, NM_001305544.3 and 1 more transcripts); c.1044C>T, p.Ser348= (NM_001305545.2, NM_001437987.1).
Identifiers: ClinVar variation 5042131 (VCV005042131.1).
Genomic context (GRCh38, chr17:58,358,351, plus strand): 5'-AGAACTGCTGCCATGGACCCCCTGTAGGCTGATGTCCGTGCAGTTGACCACAGAGTCACT[G>A]GAAGAGCCATGACAGGGCCCTGAGCTGGAGTCACTGGCTGGCCCATCTGCCAGGTACCCA-3'
Protein context (NP_060233.3, residues 465-485): DSSSGPCHGS[Ser475=]SDSVVNCTDI

ClinVar aggregate classification (germline): Benign (1 of 4 stars; one submission).

Conditions:
Sessile serrated polyposis cancer syndrome (SSPCS). Identifiers: Orphanet 157798, MedGen C4310714, MONDO:0014919, OMIM 617108.

gnomAD v4.1: 1 of 1,614,164 alleles (0.000062%); highest among the groups gnomAD compares: Non-Finnish European, 0.000085%; no homozygotes.

Submission:

Myriad Genetics, Inc.
Classification: Benign for Sessile serrated polyposis cancer syndrome. Last evaluated: 2026-07-01. Review status: criteria provided, single submitter. Criteria: Myriad Autosomal Dominant, Autosomal Recessive and X-Linked Classification Criteria (2023). Collection method: clinical testing. Allele origin: unknown.
Comment: This variant is considered benign. This variant is a silent/synonymous amino acid change and it is not expected to impact splicing.